The following is an entry in ClinVar:

ClinVar aggregate classification (germline): Uncertain significance (1 of 4 stars; one submission).

gnomAD v4.1: 5 of 1,613,682 alleles (0.00031%); highest among the groups gnomAD compares: South Asian, 0.0011%; no homozygotes.

Submission:

Labcorp Genetics (formerly Invitae), Labcorp
Classification: Uncertain significance. Last evaluated: 2024-06-12. Review status: criteria provided, single submitter. Criteria: Invitae Variant Classification Sherloc (09022015). Collection method: clinical testing. Allele origin: germline.
Comment: This sequence change replaces valine, which is neutral and non-polar, with alanine, which is neutral and non-polar, at codon 286 of the CDH2 protein (p.Val286Ala). This variant is present in population databases (rs760335891, gnomAD 0.003%). This variant has not been reported in the literature in individuals affected with CDH2-related conditions. An algorithm developed to predict the effect of missense changes on protein structure and function (PolyPhen-2) suggests that this variant is likely to be disruptive. In summary, the available evidence is currently insufficient to determine the role of this variant in disease. Therefore, it has been classified as a Variant of Uncertain Significance.

NM_001792.5(CDH2):c.857T>C (p.Val286Ala)

Gene: CDH2 (cadherin 2; minus strand). Cytogenetic location: 18q12.1.
Variant type: single nucleotide variant.
Coding change: c.857T>C on transcript NM_001792.5 (MANE Select); coding-DNA position 857, T replaced by C.
Protein change: p.Val286Ala; replaces valine 286 with alanine.
Molecular consequence: missense variant.
Genome position (GRCh38, 1-based): chr18:28,003,160, A>G on the plus strand (T>C on the coding strand, the complement: CDH2 is on the minus strand). VCF-style: chr18-28003160-A-G. GRCh37 (hg19) VCF-style: chr18-25583124-A-G.
Other names: c.764T>C, p.Val255Ala (NM_001308176.2); short protein forms V286A, V255A.
Identifiers: ClinVar variation 3670251 (VCV003670251.2).
Genomic context (GRCh38, chr18:28,003,160, plus strand): 5'-TACCTCAACATCCCATTGAGGGCATTGGGATCGTCAGCATCAATTGCTGTTACGGTCATC[A>G]CATATGTTCCTAGAGACAGTGTACATGGAAAATGAATGGTTACCCTTCATTCCAGGGACC-3'
Protein context (NP_001783.2, residues 276-296): VPEGSKPGTY[Val286Ala]MTVTAIDADD